The following is an entry in ClinVar:

NM_022436.3(ABCG5):c.50T>G (p.Val17Gly)

Gene: ABCG5 (ATP binding cassette subfamily G member 5; minus strand). Cytogenetic location: 2p21.
Variant type: single nucleotide variant.
Coding change: c.50T>G on transcript NM_022436.3 (MANE Select); coding-DNA position 50, T replaced by G.
Protein change: p.Val17Gly; replaces valine 17 with glycine.
Molecular consequence: missense variant.
Genome position (GRCh38, 1-based): chr2:43,838,630, A>C on the plus strand (T>G on the coding strand, the complement: ABCG5 is on the minus strand). VCF-style: chr2-43838630-A-C. GRCh37 (hg19) VCF-style: chr2-44065769-A-C.
Other names: p.Val17Gly; short protein forms V17G.
Identifiers: ClinVar variation 286792 (VCV000286792.23), dbSNP rs72542427, ClinGen allele CA1636811.

ClinVar aggregate classification (germline): Conflicting classifications of pathogenicity. Review status: criteria provided, conflicting classifications (1 of 4 stars). 7 submissions from 7 submitters: Uncertain significance (1); Likely benign (5). 1 of the submissions does not count toward it. Last evaluated 2026-01-21.

Conditions:
Sitosterolemia 2. Identifiers: MedGen C5231453, MONDO:0020748, OMIM 618666.
Sitosterolemia (STSL). Also called: PHYTOSTEROLEMIA. Identifiers: Orphanet 2882, MedGen C0342907, MONDO:0008863.
ABCG5-related disorder. Also called: ABCG5-related condition.
Cardiovascular phenotype. Identifiers: MedGen CN230736.

Allele frequency attached by ClinVar (database versions not stated): ExAC 0.00044; gnomAD 0.00132 and 0.00142; ESP Exome Variant Server 0.00138; TOPMed 0.00141; 1000 Genomes Project 30x 0.00219; 1000 Genomes Project 0.00260.
gnomAD v4.1: 372 of 1,613,438 alleles (0.023%); highest among the groups gnomAD compares: African/African-American, 0.44%; 2 homozygotes.

Submissions (7):

Labcorp Genetics (formerly Invitae), Labcorp
Classification: Likely benign for Sitosterolemia. Last evaluated: 2026-01-21. Review status: criteria provided, single submitter. Criteria: Invitae Variant Classification Sherloc (09022015). Collection method: clinical testing. Allele origin: germline.

Mayo Clinic Laboratories, Mayo Clinic
Classification: Likely benign. Last evaluated: 2025-10-19. Review status: criteria provided, single submitter. Criteria: ACMG Guidelines, 2015. Collection method: clinical testing. Allele origin: germline. Observed: 10 variant alleles.
Comment: BS1, BP4

Ambry Genetics
Classification: Likely benign for Cardiovascular phenotype. Last evaluated: 2025-05-15. Review status: criteria provided, single submitter. Criteria: Ambry Variant Classification Scheme 2023. Collection method: clinical testing. Allele origin: germline.

Women's Health and Genetics/Laboratory Corporation of America, LabCorp
Classification: Uncertain significance. Last evaluated: 2023-07-18. Review status: criteria provided, single submitter. Criteria: LabCorp Variant Classification Summary - May 2015. Collection method: clinical testing. Allele origin: germline.

Revvity Omics, Revvity
Classification: Likely benign for Sitosterolemia 2. Last evaluated: 2023-03-13. Review status: criteria provided, single submitter. Criteria: ACMG Guidelines, 2015. Collection method: clinical testing. Allele origin: germline.

Eurofins Ntd Llc (ga)
Classification: Likely benign. Last evaluated: 2016-03-29. Review status: criteria provided, single submitter. Criteria: EGL Classification Definitions 2015. Collection method: clinical testing. Allele origin: germline. Observed: 1 variant allele, 1 heterozygote.

PreventionGenetics, part of Exact Sciences
Classification: Likely benign for ABCG5-related condition. Last evaluated: 2022-11-21. Review status: no assertion criteria provided. Collection method: clinical testing. Allele origin: germline. Not counted in ClinVar's aggregate classification.
Comment: This variant is classified as likely benign based on ACMG/AMP sequence variant interpretation guidelines (Richards et al. 2015 PMID: 25741868, with internal and published modifications).